The following is an entry in ClinVar:

NM_024334.3(TMEM43):c.45C>G (p.Val15=)

Gene: TMEM43 (transmembrane protein 43; plus strand). Cytogenetic location: 3p25.1.
Variant type: single nucleotide variant.
Coding change: c.45C>G on transcript NM_024334.3 (MANE Select); coding-DNA position 45, C replaced by G.
Protein change: p.Val15=; no amino-acid change (valine 15 retained).
Molecular consequence: synonymous variant.
Genome position (GRCh38, 1-based): chr3:14,129,444, C>G. VCF-style: chr3-14129444-C-G. GRCh37 (hg19) VCF-style: chr3-14170944-C-G.
Identifiers: ClinVar variation 518621 (VCV000518621.19), dbSNP rs150334659, ClinGen allele CA432550987.

ClinVar aggregate classification (germline): Likely benign. Review status: criteria provided, multiple submitters, no conflicts (2 of 4 stars). 6 submissions from 6 submitters: Likely benign (4). 2 of the submissions do not count toward it. Last evaluated 2026-01-11.

Conditions:
Cardiovascular phenotype. Identifiers: MedGen CN230736.
Arrhythmogenic right ventricular dysplasia 5. Also called: Arrhythmogenic Right Ventricular Dysplasia/Cardiomyopathy 5; ARRHYTHMOGENIC RIGHT VENTRICULAR DYSPLASIA, FAMILIAL, 5. Identifiers: MedGen C1858379, MONDO:0011459, OMIM 604400.
Cardiomyopathy (CMYO). Also called: Cardiomyopathies. Identifiers: Orphanet 167848, MedGen C0878544, MONDO:0004994, HP:0001638. Inheritance: Various modes of inheritance.

Allele frequency attached by ClinVar (database versions not stated): TOPMed 0.00002.
gnomAD v4.1: 6 of 1,613,270 alleles (0.00037%); highest among the groups gnomAD compares: Non-Finnish European, 0.00051%; no homozygotes.

Submissions (6):

Labcorp Genetics (formerly Invitae), Labcorp
Classification: Likely benign for Arrhythmogenic right ventricular dysplasia 5. Last evaluated: 2026-01-11. Review status: criteria provided, single submitter. Criteria: Invitae Variant Classification Sherloc (09022015). Collection method: clinical testing. Allele origin: germline.

All of Us Research Program, National Institutes of Health
Classification: Likely benign for Arrhythmogenic right ventricular dysplasia 5. Last evaluated: 2024-05-14. Review status: criteria provided, single submitter. Criteria: ACMG Guidelines, 2015. Collection method: clinical testing. Allele origin: germline. Inheritance: Autosomal dominant inheritance. Observed: 6 variant alleles, 6 heterozygotes.
Comment: This study involves interpretation of variants in research participants for the purpose of population health screening. Participant phenotype was not available at the time of variant classification. Additional details can be found in publication PMID: 35346344, PMCID: PMC8962531

Color Diagnostics, LLC DBA Color Health
Classification: Likely benign for Cardiomyopathy. Last evaluated: 2018-10-22. Review status: criteria provided, single submitter. Criteria: ACMG Guidelines, 2015. Collection method: clinical testing. Allele origin: germline.

Ambry Genetics
Classification: Likely benign for Cardiovascular phenotype. Last evaluated: 2017-02-16. Review status: criteria provided, single submitter. Criteria: Ambry Variant Classification Scheme 2023. Collection method: clinical testing. Allele origin: germline.

Clinical Genetics, Academic Medical Center
Classification: Benign. Review status: no assertion criteria provided. Collection method: clinical testing. Allele origin: germline. Affected: yes. Study: VKGL Data-share Consensus. Not counted in ClinVar's aggregate classification.

Joint Genome Diagnostic Labs from Nijmegen and Maastricht, Radboudumc and MUMC+
Classification: Likely benign. Review status: no assertion criteria provided. Collection method: clinical testing. Allele origin: germline. Affected: yes. Study: VKGL Data-share Consensus. Not counted in ClinVar's aggregate classification.